The following is an entry in ClinVar:

NM_016122.3(CEP83):c.1321A>G (p.Arg441Gly)

Gene: CEP83 (centrosomal protein 83; minus strand). Cytogenetic location: 12q22.
Variant type: single nucleotide variant.
Coding change: c.1321A>G on transcript NM_016122.3 (MANE Select); coding-DNA position 1321, A replaced by G.
Protein change: p.Arg441Gly; replaces arginine 441 with glycine.
Molecular consequence: missense variant. On other transcripts: non-coding transcript variant (1).
Genome position (GRCh38, 1-based): chr12:94,367,816, T>C on the plus strand (A>G on the coding strand, the complement: CEP83 is on the minus strand). VCF-style: chr12-94367816-T-C. GRCh37 (hg19) VCF-style: chr12-94761592-T-C.
Other names: c.1321A>G, p.Arg441Gly (NM_001042399.2, NM_001346457.2, NM_001368037.1 and 1 more transcripts); c.1009A>G, p.Arg337Gly (NM_001346458.2, NM_001346459.2, NM_001368039.1 and 1 more transcripts); c.1096A>G, p.Arg366Gly (NM_001368041.1); short protein forms R441G, R337G, R366G.
Identifiers: ClinVar variation 392913 (VCV000392913.14), dbSNP rs577668407, ClinGen allele CA6721683.

ClinVar aggregate classification (germline): Conflicting classifications of pathogenicity. Review status: criteria provided, conflicting classifications (1 of 4 stars). 4 submissions from 4 submitters: Uncertain significance (3); Likely benign (1). Last evaluated 2025-04-17.

Conditions:
Nephronophthisis 18 (NPHP18). Identifiers: Orphanet 655, MedGen C3890591, MONDO:0014374, OMIM 615862.
Inborn genetic diseases. Identifiers: MedGen C0950123, MeSH D030342.

Allele frequency attached by ClinVar (database versions not stated): gnomAD below 0.00001 and 0.00002; gnomAD exomes 0.00007 and 0.00018; 1000 Genomes Project 30x 0.00016; 1000 Genomes Project 0.00020; ExAC 0.00022.
gnomAD v4.1: 116 of 1,612,426 alleles (0.0072%); highest among the groups gnomAD compares: South Asian, 0.11%; 2 homozygotes.

Submissions (4):

Ambry Genetics
Classification: Uncertain significance for Inborn genetic diseases. Last evaluated: 2025-04-17. Review status: criteria provided, single submitter. Criteria: Ambry Variant Classification Scheme 2023. Collection method: clinical testing. Allele origin: germline.

Labcorp Genetics (formerly Invitae), Labcorp
Classification: Likely benign for Nephronophthisis 18. Last evaluated: 2025-04-11. Review status: criteria provided, single submitter. Criteria: Invitae Variant Classification Sherloc (09022015). Collection method: clinical testing. Allele origin: germline.

GeneDx
Classification: Uncertain significance. Last evaluated: 2017-01-10. Review status: criteria provided, single submitter. Criteria: GeneDx Variant Classification (06012015). Collection method: clinical testing. Allele origin: germline. Affected: yes.
Comment: The R441G variant in the CEP83 gene has not been reported previously as a pathogenic variant, nor as a benign variant, to our knowledge. The R441G variant was not observed in approximately 6000 individuals of European and African American ancestry in the NHLBI Exome Sequencing Project, indicating it is not a common benign variant in these populations. The R441G variant is a non-conservative amino acid substitution, which is likely to impact secondary protein structure as these residues differ in polarity, charge, size and/or other properties. This substitution occurs at a position where amino acids with similar properties to Arginine are tolerated across species. In silico analysis is inconsistent in its predictions as to whether or not the variant is damaging to the protein structure/function. We interpret R441G as a variant of uncertain significance.

Breakthrough Genomics
Classification: Uncertain significance. Review status: criteria provided, single submitter. Criteria: ACMG Guidelines, 2015. Collection method: not provided. Allele origin: germline. Inheritance: Autosomal recessive inheritance. Affected: yes.